The following is an entry in ClinVar:

ClinVar aggregate classification (germline): Uncertain significance. Review status: criteria provided, multiple submitters, no conflicts (2 of 4 stars). 3 submissions from 3 submitters: Uncertain significance (3). Last evaluated 2026-05-16.

Conditions:
Cardiovascular phenotype. Identifiers: MedGen CN230736.
TTN-related disorder. Also called: TTN-related condition; TTN-related disease; TTN-related disorders.
Autosomal recessive limb-girdle muscular dystrophy type 2J (LGMDR10). Also called: MUSCULAR DYSTROPHY, LIMB-GIRDLE, AUTOSOMAL RECESSIVE 10; Limb-girdle muscular dystrophy, type 2J. Identifiers: Orphanet 140922, MedGen C1837342, MONDO:0012127, OMIM 608807.
Hypertrophic cardiomyopathy 9. Also called: Familial hypertrophic cardiomyopathy 9. Identifiers: MedGen C1861065, MONDO:0013412, OMIM 613765.
Early-onset myopathy with fatal cardiomyopathy (CMYO5). Also called: CONGENITAL MYOPATHY 5 WITH CARDIOMYOPATHY; Salih Myopathy. Identifiers: Orphanet 289377, MedGen C2673677, MONDO:0012714, OMIM 611705. Disease mechanism: loss of function.
Dilated cardiomyopathy 1G (CMD1G). Identifiers: Orphanet 154, MedGen C1858763, MONDO:0011400, OMIM 604145.
Myopathy, myofibrillar, 9, with early respiratory failure (MFM9). Also called: Myopathy, distal, with early respiratory failure, autosomal dominant; EDSTROM MYOPATHY; MYOPATHY, PROXIMAL, WITH EARLY RESPIRATORY MUSCLE INVOLVEMENT; Hereditary myopathy with early respiratory failure. Identifiers: Orphanet 178464, Orphanet 34521, MedGen C1863599, MONDO:0011362, OMIM 603689.
Tibial muscular dystrophy (TMD). Also called: Tibial muscular dystrophy, tardive; UDD MYOPATHY; Udd Distal Myopathy – Tibial Muscular Dystrophy. Identifiers: Orphanet 609, MedGen C1838244, MONDO:0010870, OMIM 600334.

Allele frequency attached by ClinVar (database versions not stated): gnomAD exomes below 0.00001 and 0.00001; TOPMed 0.00001; gnomAD 0.00003 and 0.00004.
gnomAD v4.1: 10 of 1,613,684 alleles (0.00062%); highest among the groups gnomAD compares: African/African-American, 0.0053%; no homozygotes.

Submissions (3):

PreventionGenetics, part of Exact Sciences
Classification: Uncertain significance for TTN-related condition. Last evaluated: 2026-05-16. Review status: criteria provided, single submitter. Criteria: ACMG Guidelines, 2015. Collection method: clinical testing. Allele origin: germline.
Comment: The TTN c.99521T>C variant is predicted to result in the amino acid substitution p.Ile33174Thr. To our knowledge, this variant has not been reported in the literature. This variant is reported in 0.0083% of alleles in individuals of African descent in gnomAD. At this time, the clinical significance of this variant is uncertain due to the absence of conclusive functional and genetic evidence.

Fulgent Genetics
Classification: Uncertain significance for Tibial muscular dystrophy; Myopathy, myofibrillar, 9, with early respiratory failure; Dilated cardiomyopathy 1G; Autosomal recessive limb-girdle muscular dystrophy type 2J; Early-onset myopathy with fatal cardiomyopathy; Hypertrophic cardiomyopathy 9. Last evaluated: 2021-10-17. Review status: criteria provided, single submitter. Criteria: ACMG Guidelines, 2015. Collection method: clinical testing. Allele origin: unknown.

Ambry Genetics
Classification: Uncertain significance for Cardiovascular phenotype. Last evaluated: 2015-09-04. Review status: criteria provided, single submitter. Criteria: Ambry Variant Classification Scheme 2023. Collection method: clinical testing. Allele origin: germline.
Comment: The p.I24109T variant (also known as c.72326T>C), located in coding exon 182 of the TTN gene, results from a T to C substitution at nucleotide position 72326. The isoleucine at codon 24109 is replaced by threonine, an amino acid with similar properties. This variant was not reported in population based cohorts in the following databases: Database of Single Nucleotide Polymorphisms (dbSNP), NHLBI Exome Sequencing Project (ESP), and 1000 Genomes Project. In the ESP, this variant was not observed in 6105 samples (12210 alleles) with coverage at this position. This amino acid position is poorly conserved in available vertebrate species. In addition, this alteration is predicted to be tolerated by in silico analysis. Since supporting evidence is limited at this time, the clinical significance of this variant remains unclear.

NM_001267550.2(TTN):c.99521T>C (p.Ile33174Thr)

Genes: TTN (titin; minus strand), TTN-AS1 (TTN antisense RNA 1; plus strand). Cytogenetic location: 2q31.2.
Variant type: single nucleotide variant.
Coding change: c.99521T>C on transcript NM_001267550.2 (MANE Select); coding-DNA position 99521, T replaced by C.
Protein change: p.Ile33174Thr; replaces isoleucine 33174 with threonine.
Molecular consequence: missense variant. On other transcripts: non-coding transcript variant (1).
Genome position (GRCh38, 1-based): chr2:178,537,686, A>G on the plus strand (T>C on the coding strand, the complement: TTN is on the minus strand). VCF-style: chr2-178537686-A-G. GRCh37 (hg19) VCF-style: chr2-179402413-A-G.
Other names: c.94598T>C, p.Ile31533Thr (NM_001256850.1); c.72326T>C, p.Ile24109Thr (NM_003319.4); c.91817T>C, p.Ile30606Thr (NM_133378.4); c.72701T>C, p.Ile24234Thr (NM_133432.3); c.72902T>C, p.Ile24301Thr (NM_133437.4); short protein forms I24109T, I33174T, I30606T, I31533T, I24301T, I24234T.
Identifiers: ClinVar variation 264274 (VCV000264274.7), dbSNP rs879116103, ClinGen allele CA10587445.
Genomic context (GRCh38, chr2:178,537,686, plus strand): 5'-GGTGTTGCTTGCAGGAGAAGCTTACTACTGGTTTCTACTTCTCCAACCTCATTGGTGGCT[A>G]TGCAGGTATAAACACCTTCATCTTCCTGTTCCTCTGTCATTACTGTAAGAGTGTGTGTGC-3'
Protein context (NP_001254479.2, residues 33164-33184): EQEDEGVYTC[Ile33174Thr]ATNEVGEVET